The following is an entry in ClinVar:

ClinVar aggregate classification (germline): Uncertain significance. Review status: criteria provided, multiple submitters, no conflicts (2 of 4 stars). 2 submissions from 2 submitters: Uncertain significance (2). Last evaluated 2023-07-29.

Conditions:
Autosomal recessive polycystic kidney disease (ARPKD). Also called: AR polycystic kidney disease. Identifiers: Orphanet 731, Orphanet 8378, MedGen C0085548, MeSH D017044, MONDO:0009889.

Allele frequency attached by ClinVar (database versions not stated): ExAC 0.00005.
gnomAD v4.1: 9 of 1,490,928 alleles (0.0006%); highest among the groups gnomAD compares: Admixed American, 0.015%; no homozygotes.

Submissions (2):

Labcorp Genetics (formerly Invitae), Labcorp
Classification: Uncertain significance for Autosomal recessive polycystic kidney disease. Last evaluated: 2023-07-29. Review status: criteria provided, single submitter. Criteria: Invitae Variant Classification Sherloc (09022015). Collection method: clinical testing. Allele origin: germline.
Comment: Advanced modeling of protein sequence and biophysical properties (such as structural, functional, and spatial information, amino acid conservation, physicochemical variation, residue mobility, and thermodynamic stability) performed at Invitae indicates that this missense variant is expected to disrupt PKHD1 protein function. ClinVar contains an entry for this variant (Variation ID: 1904458). This variant has not been reported in the literature in individuals affected with PKHD1-related conditions. This variant is present in population databases (rs755803138, gnomAD 0.03%). This sequence change replaces serine, which is neutral and polar, with proline, which is neutral and non-polar, at codon 263 of the PKHD1 protein (p.Ser263Pro). In summary, the available evidence is currently insufficient to determine the role of this variant in disease. Therefore, it has been classified as a Variant of Uncertain Significance.

Women's Health and Genetics/Laboratory Corporation of America, LabCorp
Classification: Uncertain significance. Last evaluated: 2023-03-08. Review status: criteria provided, single submitter. Criteria: LabCorp Variant Classification Summary - May 2015. Collection method: clinical testing. Allele origin: germline.
Comment: Variant summary: PKHD1 c.787T>C (p.Ser263Pro) results in a non-conservative amino acid change located in the IPT domain (IPR002909) of the encoded protein sequence. Five of five in-silico tools predict a damaging effect of the variant on protein function. The variant allele was found at a frequency of 3.6e-05 in 250224 control chromosomes. The available data on variant occurrences in the general population are insufficient to allow any conclusion about variant significance. To our knowledge, no occurrence of c.787T>C in individuals affected with Polycystic Kidney And Hepatic Disease and no experimental evidence demonstrating its impact on protein function have been reported. One clinical diagnostic laboratory has submitted clinical-significance assessments for this variant to ClinVar after 2014 and classified the variant as uncertain significance. Based on the evidence outlined above, the variant was classified as uncertain significance.

NM_138694.4(PKHD1):c.787T>C (p.Ser263Pro)

Gene: PKHD1 (PKHD1 ciliary IPT domain containing fibrocystin/polyductin; minus strand). Cytogenetic location: 6p12.2.
Variant type: single nucleotide variant.
Coding change: c.787T>C on transcript NM_138694.4 (MANE Select); coding-DNA position 787, T replaced by C.
Protein change: p.Ser263Pro; replaces serine 263 with proline.
Molecular consequence: missense variant.
Genome position (GRCh38, 1-based): chr6:52,066,069, A>G on the plus strand (T>C on the coding strand, the complement: PKHD1 is on the minus strand). VCF-style: chr6-52066069-A-G. GRCh37 (hg19) VCF-style: chr6-51930867-A-G.
Other names: c.787T>C (NM_138694.3); c.787T>C, p.Ser263Pro (NM_170724.3); short protein forms S263P.
Identifiers: ClinVar variation 1904458 (VCV001904458.5), dbSNP rs755803138, ClinGen allele CA3853753.
Genomic context (GRCh38, chr6:52,066,069, plus strand): 5'-AGTCTCCTGTAATTGTGATGTTTGTTCTTCCCCCAAGGCTCCCAGTTTCTGGAAACACAG[A>G]TAATATTTCTGCAAGAGTTAAAAAAAAAAAAAAGTAAGCTTCCAAATATAGACCAGAATA-3'
Protein context (NP_619639.3, residues 253-273): FLYQTHSEIL[Ser263Pro]VFPETGSLGG